The following is an entry in ClinVar:

NM_032730.5(RTN4IP1):c.399T>A (p.Asp133Glu)

Gene: RTN4IP1 (reticulon 4 interacting protein 1; minus strand). Cytogenetic location: 6q21.
Variant type: single nucleotide variant.
Coding change: c.399T>A on transcript NM_032730.5 (MANE Select); coding-DNA position 399, T replaced by A.
Protein change: p.Asp133Glu; replaces aspartic acid 133 with glutamic acid.
Molecular consequence: missense variant.
Genome position (GRCh38, 1-based): chr6:106,622,845, A>T on the plus strand (T>A on the coding strand, the complement: RTN4IP1 is on the minus strand). VCF-style: chr6-106622845-A-T. GRCh37 (hg19) VCF-style: chr6-107070720-A-T.
Other names: c.99T>A, p.Asp33Glu (NM_001318746.1); short protein forms D133E, D33E.
Identifiers: ClinVar variation 859907 (VCV000859907.9), dbSNP rs756308370, ClinGen allele CA3944520.

ClinVar aggregate classification (germline): Uncertain significance. Review status: criteria provided, multiple submitters, no conflicts (2 of 4 stars). 3 submissions from 3 submitters: Uncertain significance (3). Last evaluated 2023-09-29.

Conditions:
Inborn genetic diseases. Identifiers: MedGen C0950123, MeSH D030342.

Allele frequency attached by ClinVar (database versions not stated): gnomAD 0.00001; ExAC 0.00002; gnomAD exomes 0.00002; TOPMed 0.00002.
gnomAD v4.1: 17 of 1,613,604 alleles (0.0011%); highest among the groups gnomAD compares: Middle Eastern, 0.033%; no homozygotes.

Submissions (3):

Blueprint Genetics
Classification: Uncertain significance. Last evaluated: 2023-09-29. Review status: criteria provided, single submitter. Criteria: ACMG Guidelines, 2015. Collection method: clinical testing. Allele origin: germline.

Labcorp Genetics (formerly Invitae), Labcorp
Classification: Uncertain significance. Last evaluated: 2023-07-14. Review status: criteria provided, single submitter. Criteria: Invitae Variant Classification Sherloc (09022015). Collection method: clinical testing. Allele origin: germline.
Comment: In summary, the available evidence is currently insufficient to determine the role of this variant in disease. Therefore, it has been classified as a Variant of Uncertain Significance. Advanced modeling of protein sequence and biophysical properties (such as structural, functional, and spatial information, amino acid conservation, physicochemical variation, residue mobility, and thermodynamic stability) performed at Invitae indicates that this missense variant is not expected to disrupt RTN4IP1 protein function. ClinVar contains an entry for this variant (Variation ID: 859907). This variant has not been reported in the literature in individuals affected with RTN4IP1-related conditions. This variant is present in population databases (rs756308370, gnomAD 0.004%). This sequence change replaces aspartic acid, which is acidic and polar, with glutamic acid, which is acidic and polar, at codon 133 of the RTN4IP1 protein (p.Asp133Glu).

Ambry Genetics
Classification: Uncertain significance for Inborn genetic diseases. Last evaluated: 2021-09-17. Review status: criteria provided, single submitter. Criteria: Ambry Variant Classification Scheme 2023. Collection method: clinical testing. Allele origin: germline.